The following is an entry in ClinVar:

NM_080424.4(SP110):c.68T>C (p.Ile23Thr)

Genes: SP110 (SP110 nuclear body protein; minus strand), SP140 (SP140 nuclear body protein; plus strand). Cytogenetic location: 2q37.1.
Variant type: single nucleotide variant.
Coding change: c.68T>C on transcript NM_080424.4 (MANE Select); coding-DNA position 68, T replaced by C.
Protein change: p.Ile23Thr; replaces isoleucine 23 with threonine.
Molecular consequence: missense variant.
Genome position (GRCh38, 1-based): chr2:230,216,860, A>G on the plus strand (T>C on the coding strand, the complement: SP110 is on the minus strand). VCF-style: chr2-230216860-A-G. GRCh37 (hg19) VCF-style: chr2-231081575-A-G.
Other names: c.86T>C, p.Ile29Thr (NM_001185015.2, NM_001378442.1, NM_001378444.1 and 2 more transcripts); c.68T>C, p.Ile23Thr (NM_001378443.1, NM_001378447.1, NM_004509.5 and 1 more transcripts); short protein forms I29T, I23T.
Identifiers: ClinVar variation 1437017 (VCV001437017.7), dbSNP rs2148952479, ClinGen allele CA350919037.

ClinVar aggregate classification (germline): Uncertain significance (1 of 4 stars; one submission).

Conditions:
Hepatic veno-occlusive disease-immunodeficiency syndrome. Also called: Hepatic Veno-Occlusive Disease with Immunodeficiency. Identifiers: Orphanet 79124, MedGen C1856128, MONDO:0009338, OMIM 235550. Disease mechanism: loss of function.

Submission:

Labcorp Genetics (formerly Invitae), Labcorp
Classification: Uncertain significance for Hepatic veno-occlusive disease-immunodeficiency syndrome. Last evaluated: 2022-03-19. Review status: criteria provided, single submitter. Criteria: Invitae Variant Classification Sherloc (09022015). Collection method: clinical testing. Allele origin: germline.
Comment: Algorithms developed to predict the effect of missense changes on protein structure and function are either unavailable or do not agree on the potential impact of this missense change (SIFT: "Deleterious"; PolyPhen-2: "Probably Damaging"; Align-GVGD: "Class C0"). This variant has not been reported in the literature in individuals affected with SP110-related conditions. This variant is not present in population databases (gnomAD no frequency). This sequence change replaces isoleucine, which is neutral and non-polar, with threonine, which is neutral and polar, at codon 23 of the SP110 protein (p.Ile23Thr). In summary, the available evidence is currently insufficient to determine the role of this variant in disease. Therefore, it has been classified as a Variant of Uncertain Significance.